The following is an entry in ClinVar:

ClinVar aggregate classification (germline): Uncertain significance. Review status: criteria provided, multiple submitters, no conflicts (2 of 4 stars). 3 submissions from 3 submitters: Uncertain significance (3). Last evaluated 2024-08-30.

Conditions:
Familial adenomatous polyposis 1 (FAP1). Also called: FAMILIAL ADENOMATOUS POLYPOSIS 1, ATTENUATED; POLYPOSIS, ADENOMATOUS INTESTINAL. Identifiers: MedGen C2713442, MONDO:0021056, OMIM 175100. Disease mechanism: loss of function.
Hereditary cancer-predisposing syndrome. Also called: Tumor predisposition; Hereditary neoplastic syndrome; Neoplastic Syndromes, Hereditary; Hereditary Cancer Syndrome. Identifiers: Orphanet 140162, MedGen C0027672, MeSH D009386, MONDO:0015356.

Submissions (3):

Ambry Genetics
Classification: Uncertain significance for Hereditary cancer-predisposing syndrome. Last evaluated: 2024-08-30. Review status: criteria provided, single submitter. Criteria: Ambry Variant Classification Scheme 2023. Collection method: clinical testing. Allele origin: germline.
Comment: The p.L1862F variant (also known as c.5586G>C), located in coding exon 15 of the APC gene, results from a G to C substitution at nucleotide position 5586. The leucine at codon 1862 is replaced by phenylalanine, an amino acid with highly similar properties. This amino acid position is highly conserved in available vertebrate species. In addition, in silico predictors for this gene do not accurately predict pathogenicity. Missense alterations in APC are not a common cause of disease (Spier I et al. Genet Med. 2024 Feb;26(2):100992). Based on the available evidence, the clinical significance of this variant remains unclear.

Color Diagnostics, LLC DBA Color Health
Classification: Uncertain significance for Hereditary cancer-predisposing syndrome. Last evaluated: 2024-03-06. Review status: criteria provided, single submitter. Criteria: ACMG Guidelines, 2015. Collection method: clinical testing. Allele origin: germline.
Comment: This missense variant replaces leucine with phenylalanine at codon 1862 of the APC protein. Computational prediction is inconclusive regarding the impact of this variant on protein structure and function (internally defined REVEL score threshold 0.5 < inconclusive < 0.7, PMID: 27666373). To our knowledge, functional studies have not been reported for this variant. This variant has not been reported in individuals affected with hereditary cancer in the literature. This variant has not been identified in the general population by the Genome Aggregation Database (gnomAD). The available evidence is insufficient to determine the role of this variant in disease conclusively. Therefore, this variant is classified as a Variant of Uncertain Significance.

Labcorp Genetics (formerly Invitae), Labcorp
Classification: Uncertain significance for Familial adenomatous polyposis 1. Last evaluated: 2024-01-11. Review status: criteria provided, single submitter. Criteria: Invitae Variant Classification Sherloc (09022015). Collection method: clinical testing. Allele origin: germline.
Comment: This sequence change replaces leucine, which is neutral and non-polar, with phenylalanine, which is neutral and non-polar, at codon 1862 of the APC protein (p.Leu1862Phe). This variant is not present in population databases (gnomAD no frequency). This variant has not been reported in the literature in individuals affected with APC-related conditions. ClinVar contains an entry for this variant (Variation ID: 845224). Advanced modeling of protein sequence and biophysical properties (such as structural, functional, and spatial information, amino acid conservation, physicochemical variation, residue mobility, and thermodynamic stability) performed at Invitae indicates that this missense variant is not expected to disrupt APC protein function with a negative predictive value of 95%. In summary, the available evidence is currently insufficient to determine the role of this variant in disease. Therefore, it has been classified as a Variant of Uncertain Significance.

NM_000038.6(APC):c.5586G>C (p.Leu1862Phe)

Gene: APC (APC regulator of Wnt signaling pathway; plus strand). Cytogenetic location: 5q22.2.
Variant type: single nucleotide variant.
Coding change: c.5586G>C on transcript NM_000038.6 (MANE Select); coding-DNA position 5586, G replaced by C.
Protein change: p.Leu1862Phe; replaces leucine 1862 with phenylalanine.
Molecular consequence: missense variant.
Genome position (GRCh38, 1-based): chr5:112,841,180, G>C. VCF-style: chr5-112841180-G-C. GRCh37 (hg19) VCF-style: chr5-112176877-G-C.
Other names: c.5586G>C, p.Leu1862Phe (NM_001127510.3, NM_001354895.2); c.5532G>C, p.Leu1844Phe (NM_001127511.3); c.5640G>C, p.Leu1880Phe (NM_001354896.2); c.5616G>C, p.Leu1872Phe (NM_001354897.2); c.5511G>C, p.Leu1837Phe (NM_001354898.2); c.5502G>C, p.Leu1834Phe (NM_001354899.2); c.5463G>C, p.Leu1821Phe (NM_001354900.2); c.5409G>C, p.Leu1803Phe (NM_001354901.2); and 5 more; short protein forms L1736F, L1771F, L1837F, L1872F, L1880F, L1844F, L1702F, L1803F.
Identifiers: ClinVar variation 845224 (VCV000845224.15), dbSNP rs1765985732, ClinGen allele CA16033554.